The following is an entry in ClinVar:

ClinVar aggregate classification (germline): Benign. Review status: criteria provided, single submitter (1 of 4 stars). 2 submissions from 2 submitters: Benign (1). 1 of the submissions does not count toward it. Last evaluated 2025-09-07.

Conditions:
HIVEP2-related disorder. Also called: HIVEP2-related condition.

Allele frequency attached by ClinVar (database versions not stated): gnomAD exomes 0.00015; ExAC 0.00019; ESP Exome Variant Server 0.00050; gnomAD 0.00051; TOPMed 0.00061; 1000 Genomes Project 0.00080; 1000 Genomes Project 30x 0.00094.
gnomAD v4.1: 284 of 1,517,790 alleles (0.019%); highest among the groups gnomAD compares: African/African-American, 0.16%; 1 homozygote.

Submissions (2):

Labcorp Genetics (formerly Invitae), Labcorp
Classification: Benign. Last evaluated: 2025-09-07. Review status: criteria provided, single submitter. Criteria: Invitae Variant Classification Sherloc (09022015). Collection method: clinical testing. Allele origin: germline.

PreventionGenetics, part of Exact Sciences
Classification: Likely benign for HIVEP2-related condition. Last evaluated: 2019-09-10. Review status: no assertion criteria provided. Collection method: clinical testing. Allele origin: germline. Not counted in ClinVar's aggregate classification.
Comment: This variant is classified as likely benign based on ACMG/AMP sequence variant interpretation guidelines (Richards et al. 2015 PMID: 25741868, with internal and published modifications).

NM_006734.4(HIVEP2):c.6517-5C>T

Gene: HIVEP2 (HIVEP zinc finger 2; minus strand). Cytogenetic location: 6q24.2.
Variant type: single nucleotide variant.
Coding change: c.6517-5C>T on transcript NM_006734.4 (MANE Select); 5 bases into the intron before coding-DNA position 6517, C replaced by T.
Molecular consequence: intron variant.
Genome position (GRCh38, 1-based): chr6:142,753,936, G>A on the plus strand (C>T on the coding strand, the complement: HIVEP2 is on the minus strand). VCF-style: chr6-142753936-G-A. GRCh37 (hg19) VCF-style: chr6-143075073-G-A.
Identifiers: ClinVar variation 737163 (VCV000737163.11), dbSNP rs145543866, ClinGen allele CA4027662.